The following is an entry in ClinVar:

NM_000521.4(HEXB):c.118del (p.Ala40fs)

Gene: HEXB (hexosaminidase subunit beta; plus strand). Cytogenetic location: 5q13.3.
Variant type: Deletion.
Coding change: c.118del on transcript NM_000521.4 (MANE Select); coding-DNA position 118, one base deleted (G; older notation c.118delG).
Protein change: p.Ala40fs; shifts the reading frame from alanine 40.
Molecular consequence: frameshift variant. On other transcripts: intron variant (1).
Genome position (GRCh38, 1-based): chr5:74,685,378, G deleted; the last of 2 consecutive G bases (chr5:74,685,377-74,685,378); deleting either gives the same sequence. VCF-style (leftmost placement, unchanged base first): chr5-74685376-TG-T. GRCh37 (hg19) VCF-style: chr5-73981201-TG-T.
Other names: c.118delG (NM_000521.3); c.-376-3950del (NM_001292004.2); c.118del (NM_000521.3); short protein forms A40fs.
Identifiers: ClinVar variation 554151 (VCV000554151.3), dbSNP rs1554034447, ClinGen allele CA658822006.

ClinVar aggregate classification (germline): Pathogenic. Review status: criteria provided, single submitter (1 of 4 stars). 2 submissions from 2 submitters: Pathogenic (1). 1 of the submissions does not count toward it. Last evaluated 2024-07-17.

Conditions:
Sandhoff disease. Also called: GM2-GANGLIOSIDOSIS, TYPE II; HEXOSAMINIDASES A AND B DEFICIENCY; Beta-hexosaminidase-beta-subunit deficiency; GM2 gangliosidosis, type 2; Total hexosaminidase deficiency; Sandhoff-Jatzkewitz-Pilz disease. Identifiers: Orphanet 796, MedGen C0036161, MONDO:0010006, OMIM 268800.

Submissions (2):

Natera, Inc.
Classification: Pathogenic for Sandhoff disease. Last evaluated: 2024-07-17. Review status: criteria provided, single submitter. Criteria: Natera Variant Classification Schema (03/2026). Collection method: clinical testing. Allele origin: germline.
Comment: The c.118del variant in HEXB is a frameshift variant predicted to shift the reading frame beginning at codon 40 and leads to a stop codon 24 codons downstream. This variant is expected to result in nonsense mediated decay, truncation, or a dysfunctional protein product. This variant is rare in the general population with a frequency below the threshold expected for the associated phenotype(s). This variant has been observed in one or more individuals affected with the associated recessive disease, as either homozygous or compound heterozygous with a second variant (PMID: 37327298). Given the available evidence, this variant is classified as Pathogenic.

Counsyl
Classification: Likely pathogenic for Sandhoff disease. Last evaluated: 2017-09-28. Review status: no assertion criteria provided. Collection method: clinical testing. Allele origin: unknown. Not counted in ClinVar's aggregate classification.

Literature cited by the submitters: PubMed 37327298 (cited by Natera, Inc.).